The following is an entry in ClinVar:

NM_000059.4(BRCA2):c.1139G>C (p.Ser380Thr)

Gene: BRCA2 (BRCA2 DNA repair associated; plus strand). Cytogenetic location: 13q13.1.
Variant type: single nucleotide variant.
Coding change: c.1139G>C on transcript NM_000059.4 (MANE Select); coding-DNA position 1139, G replaced by C.
Protein change: p.Ser380Thr; replaces serine 380 with threonine.
Molecular consequence: missense variant.
Genome position (GRCh38, 1-based): chr13:32,332,617, G>C. VCF-style: chr13-32332617-G-C. GRCh37 (hg19) VCF-style: chr13-32906754-G-C.
Other names: c.1139G>C, p.Ser380Thr (NM_001406719.1, NM_001406720.1, NM_001406721.1); short protein forms S380T.
Identifiers: ClinVar variation 1730669 (VCV001730669.8), dbSNP rs780798665, ClinGen allele CA6940492.

ClinVar aggregate classification (germline): Conflicting classifications of pathogenicity. Review status: criteria provided, conflicting classifications (1 of 4 stars). 3 submissions from 3 submitters: Uncertain significance (2); Likely benign (1). Last evaluated 2025-08-22.

Conditions:
Hereditary cancer-predisposing syndrome. Also called: Neoplastic Syndromes, Hereditary; Tumor predisposition; Hereditary Cancer Syndrome; Hereditary neoplastic syndrome. Identifiers: Orphanet 140162, MedGen C0027672, MeSH D009386, MONDO:0015356.
Hereditary breast ovarian cancer syndrome. Also called: Hereditary breast and ovarian cancer syndrome; Hereditary breast and ovarian cancer; Breast and ovarian cancer; Hereditary breast and ovarian cancer syndrome (HBOC); Hereditary breast and/or ovarian cancer syndrome; BRCA1- and BRCA2-Associated Hereditary Breast and Ovarian Cancer. Identifiers: Orphanet 145, MedGen C0677776, MeSH D061325, MONDO:0003582. Disease mechanism: loss of function.

Allele frequency attached by ClinVar (database versions not stated): ExAC 0.00001.

Submissions (3):

Ambry Genetics
Classification: Uncertain significance for Hereditary cancer-predisposing syndrome. Last evaluated: 2025-08-22. Review status: criteria provided, single submitter. Criteria: Ambry Variant Classification Scheme 2023. Collection method: clinical testing. Allele origin: germline.

Labcorp Genetics (formerly Invitae), Labcorp
Classification: Uncertain significance for Hereditary breast ovarian cancer syndrome. Last evaluated: 2024-08-27. Review status: criteria provided, single submitter. Criteria: Invitae Variant Classification Sherloc (09022015). Collection method: clinical testing. Allele origin: germline.
Comment: This sequence change replaces serine, which is neutral and polar, with threonine, which is neutral and polar, at codon 380 of the BRCA2 protein (p.Ser380Thr). This variant is present in population databases (rs780798665, gnomAD 0.007%). This variant has not been reported in the literature in individuals affected with BRCA2-related conditions. ClinVar contains an entry for this variant (Variation ID: 1730669). Invitae Evidence Modeling of protein sequence and biophysical properties (such as structural, functional, and spatial information, amino acid conservation, physicochemical variation, residue mobility, and thermodynamic stability) indicates that this missense variant is not expected to disrupt BRCA2 protein function with a negative predictive value of 95%. In summary, the available evidence is currently insufficient to determine the role of this variant in disease. Therefore, it has been classified as a Variant of Uncertain Significance.

University of Washington Department of Laboratory Medicine, University of Washington
Classification: Likely benign for Hereditary cancer-predisposing syndrome. Last evaluated: 2023-03-23. Review status: criteria provided, single submitter. Criteria: Dines et al. (Genet Med. 2020). Collection method: curation. Allele origin: germline.
Comment: Missense variant in a coldspot region where missense variants are very unlikely to be pathogenic (PMID:31911673).

BRCA2 exon 10 coldspot. Reclassification based on statistical prior probability.